The following is an entry in ClinVar:

NM_000123.4(ERCC5):c.664A>G (p.Met222Val)

Genes: BIVM-ERCC5 (BIVM-ERCC5 readthrough; plus strand), ERCC5 (ERCC excision repair 5, endonuclease; plus strand). Cytogenetic location: 13q33.1.
Variant type: single nucleotide variant.
Coding change: c.664A>G on transcript NM_000123.4 (MANE Select); coding-DNA position 664, A replaced by G.
Protein change: p.Met222Val; replaces methionine 222 with valine.
Molecular consequence: missense variant.
Genome position (GRCh38, 1-based): chr13:102,858,410, A>G. VCF-style: chr13-102858410-A-G. GRCh37 (hg19) VCF-style: chr13-103510760-A-G.
Other names: c.2026A>G, p.Met676Val (NM_001204425.2); short protein forms M676V, M222V.
Identifiers: ClinVar variation 882639 (VCV000882639.5), dbSNP rs1391956862, ClinGen allele CA388570144.

ClinVar aggregate classification (germline): Uncertain significance. Review status: criteria provided, multiple submitters, no conflicts (2 of 4 stars). 2 submissions from 2 submitters: Uncertain significance (2). Last evaluated 2021-07-09.

Conditions:
Xeroderma pigmentosum, group G (XPG). Also called: XERODERMA PIGMENTOSUM VII; XP, GROUP G; Xeroderma pigmentosum type 7; ERCC5-Related Xeroderma Pigmentosum. Identifiers: MedGen C0268141, MONDO:0010216, OMIM 278780.
Hereditary cancer-predisposing syndrome. Also called: Tumor predisposition; Neoplastic Syndromes, Hereditary; Hereditary neoplastic syndrome; Hereditary Cancer Syndrome. Identifiers: Orphanet 140162, MedGen C0027672, MeSH D009386, MONDO:0015356.

Allele frequency attached by ClinVar (database versions not stated): gnomAD exomes below 0.00001; TOPMed 0.00002.

Submissions (2):

Sema4
Classification: Uncertain significance for Hereditary cancer-predisposing syndrome. Last evaluated: 2021-07-09. Review status: criteria provided, single submitter. Criteria: Sema4 Curation Guidelines. Collection method: curation. Allele origin: germline.
Comment: The ERCC5 c.664A>G (p.M222V) variant has not been reported in the literature to our knowledge. It was observed in 1/34588 chromosomes of the Latino subpopulation in the large and broad cohorts of the Genome Aggregation Database. The variant has been reported in ClinVar (Variation ID 882639). In silico tools suggest the impact of the variant on protein function is inconclusive, though these predictions have not been confirmed by functional studies. The evidence is insufficient to meet ACMG/AMP criteria for classifying the variant as benign or pathogenic. Thus, the clinical significance of this variant is currently uncertain.

Illumina Laboratory Services, Illumina
Classification: Uncertain significance for Xeroderma pigmentosum, group G. Last evaluated: 2018-01-13. Review status: criteria provided, single submitter. Criteria: ICSL Variant Classification Criteria 13 December 2019. Collection method: clinical testing. Allele origin: germline.